The following is an entry in ClinVar:

ClinVar aggregate classification (germline): Uncertain significance (1 of 4 stars; one submission).

Allele frequency attached by ClinVar (database versions not stated): gnomAD exomes below 0.00001 and 0.00001; ExAC 0.00001; gnomAD 0.00001; TOPMed 0.00002.
gnomAD v4.1: 8 of 1,613,212 alleles (0.0005%); highest among the groups gnomAD compares: Admixed American, 0.005%; no homozygotes.

Submission:

Labcorp Genetics (formerly Invitae), Labcorp
Classification: Uncertain significance. Last evaluated: 2021-11-27. Review status: criteria provided, single submitter. Criteria: Invitae Variant Classification Sherloc (09022015). Collection method: clinical testing. Allele origin: germline.
Comment: This sequence change affects codon 854 of the C5 mRNA. It is a 'silent' change, meaning that it does not change the encoded amino acid sequence of the C5 protein. This variant also falls at the last nucleotide of exon 20, which is part of the consensus splice site for this exon. This variant is present in population databases (rs748720085, gnomAD 0.003%). This variant has not been reported in the literature in individuals affected with C5-related conditions. Variants that disrupt the consensus splice site are a relatively common cause of aberrant splicing (PMID: 17576681, 9536098). Algorithms developed to predict the effect of sequence changes on RNA splicing suggest that this variant is not likely to affect RNA splicing. In summary, the available evidence is currently insufficient to determine the role of this variant in disease. Therefore, it has been classified as a Variant of Uncertain Significance.

Literature cited by the submitters: PubMed 17576681; PubMed 9536098.

NM_001735.3(C5):c.2562G>A (p.Gln854=)

Gene: C5 (complement C5; minus strand). Cytogenetic location: 9q33.2.
Variant type: single nucleotide variant.
Coding change: c.2562G>A on transcript NM_001735.3 (MANE Select); coding-DNA position 2562, G replaced by A.
Protein change: p.Gln854=; no amino-acid change (glutamine 854 retained).
Molecular consequence: synonymous variant.
Genome position (GRCh38, 1-based): chr9:121,005,919, C>T on the plus strand (G>A on the coding strand, the complement: C5 is on the minus strand). VCF-style: chr9-121005919-C-T. GRCh37 (hg19) VCF-style: chr9-123768197-C-T.
Other names: c.2580G>A, p.Gln860= (NM_001317163.2); c.2562G>A, p.Gln854= (NM_001317164.2).
Identifiers: ClinVar variation 1445722 (VCV001445722.3), dbSNP rs748720085, ClinGen allele CA5217755.